The following is an entry in ClinVar:

NM_024809.5(TCTN2):c.1987G>C (p.Glu663Gln)

Gene: TCTN2 (tectonic family member 2; plus strand). Cytogenetic location: 12q24.31.
Variant type: single nucleotide variant.
Coding change: c.1987G>C on transcript NM_024809.5 (MANE Select); coding-DNA position 1987, G replaced by C.
Protein change: p.Glu663Gln; replaces glutamic acid 663 with glutamine.
Molecular consequence: missense variant.
Genome position (GRCh38, 1-based): chr12:123,707,606, G>C. VCF-style: chr12-123707606-G-C. GRCh37 (hg19) VCF-style: chr12-124192153-G-C.
Other names: c.1984G>C, p.Glu662Gln (NM_001143850.3); short protein forms E662Q, E663Q.
Identifiers: ClinVar variation 1376059 (VCV001376059.8), dbSNP rs756940400, ClinGen allele CA6861415.
Genomic context (GRCh38, chr12:123,707,606, plus strand): 5'-CACTGTTATCAAAAGAGTTAAGAAATACTGCTGTTGAATTTTGTCCATTGTTTTTCAGGG[G>C]AGCTGCATTCTCAGTGTGTTGCTAAGGGCTTACTGTTGCTGTTGTTCCTCACATTGGCCT-3'
Protein context (NP_079085.2, residues 653-673): LYPWTQYYQG[Glu663Gln]LHSQCVAKGL

ClinVar aggregate classification (germline): Uncertain significance (1 of 4 stars; one submission).

Conditions:
Joubert syndrome. Also called: CEREBELLOPARENCHYMAL DISORDER IV; JOUBERT-BOLTSHAUSER SYNDROME; Familial aplasia of the vermis. Identifiers: Orphanet 475, MedGen C5979921, MONDO:0018772.
Meckel-Gruber syndrome. Also called: DYSENCEPHALIA SPLANCHNOCYSTICA; GRUBER SYNDROME; Dysencephalia splachnocystica. Identifiers: Orphanet 564, MedGen C0265215, MONDO:0018921.

Allele frequency attached by ClinVar (database versions not stated): gnomAD exomes below 0.00001 and 0.00001; ExAC 0.00001.
gnomAD v4.1: 20 of 1,613,984 alleles (0.0012%); highest among the groups gnomAD compares: Non-Finnish European, 0.0017%; no homozygotes.

Submission:

Labcorp Genetics (formerly Invitae), Labcorp
Classification: Uncertain significance for Joubert syndrome; Meckel-Gruber syndrome. Last evaluated: 2022-02-24. Review status: criteria provided, single submitter. Criteria: Invitae Variant Classification Sherloc (09022015). Collection method: clinical testing. Allele origin: germline.
Comment: This sequence change replaces glutamic acid, which is acidic and polar, with glutamine, which is neutral and polar, at codon 663 of the TCTN2 protein (p.Glu663Gln). In summary, the available evidence is currently insufficient to determine the role of this variant in disease. Therefore, it has been classified as a Variant of Uncertain Significance. Algorithms developed to predict the effect of missense changes on protein structure and function are either unavailable or do not agree on the potential impact of this missense change (SIFT: "Deleterious"; PolyPhen-2: "Possibly Damaging"; Align-GVGD: "Class C0"). This variant has not been reported in the literature in individuals affected with TCTN2-related conditions. This variant is present in population databases (rs756940400, gnomAD 0.0009%).